The following is an entry in ClinVar:

NM_020987.5(ANK3):c.2166T>C (p.His722=)

Gene: ANK3 (ankyrin 3; minus strand). Cytogenetic location: 10q21.2.
Variant type: single nucleotide variant.
Coding change: c.2166T>C on transcript NM_020987.5 (MANE Select); coding-DNA position 2166, T replaced by C.
Protein change: p.His722=; no amino-acid change (histidine 722 retained).
Molecular consequence: synonymous variant.
Genome position (GRCh38, 1-based): chr10:60,181,347, A>G on the plus strand (T>C on the coding strand, the complement: ANK3 is on the minus strand). VCF-style: chr10-60181347-A-G. GRCh37 (hg19) VCF-style: chr10-61941105-A-G.
Other names: c.2148T>C, p.His716= (NM_001204403.2); c.2115T>C, p.His705= (NM_001204404.2); c.2166T>C, p.His722= (NM_001320874.2).
Identifiers: ClinVar variation 2640498 (VCV002640498.22), dbSNP rs776061258, ClinGen allele CA5512919.

ClinVar aggregate classification (germline): Likely benign (1 of 4 stars; one submission).

Allele frequency attached by ClinVar (database versions not stated): ExAC 0.00001; gnomAD 0.00001; TOPMed 0.00001.
gnomAD v4.1: 27 of 1,614,062 alleles (0.0017%); highest among the groups gnomAD compares: Non-Finnish European, 0.0023%; no homozygotes.

Submission:

CeGaT Center for Human Genetics Tuebingen
Classification: Likely benign. Last evaluated: 2022-11-01. Review status: criteria provided, single submitter. Criteria: CeGaT Center For Human Genetics Tuebingen Variant Classification Criteria Version 2. Collection method: clinical testing. Allele origin: germline. Affected: yes. Observed: 1 variant allele.
Comment: ANK3: BP4, BP7